The following is an entry in ClinVar:

ClinVar aggregate classification (germline): Uncertain significance (1 of 4 stars; one submission).

Submission:

GeneDx
Classification: Uncertain significance. Last evaluated: 2024-10-09. Review status: criteria provided, single submitter. Criteria: GeneDx Variant Classification Process June 2021. Collection method: clinical testing. Allele origin: germline. Affected: yes.
Comment: Not observed at significant frequency in large population cohorts (gnomAD); In silico analysis supports that this missense variant has a deleterious effect on protein structure/function; Has not been previously published as pathogenic or benign to our knowledge

NM_197968.4(ZMYM2):c.3985C>A (p.Pro1329Thr)

Gene: ZMYM2 (zinc finger MYM-type containing 2; plus strand). Cytogenetic location: 13q12.11.
Variant type: single nucleotide variant.
Coding change: c.3985C>A on transcript NM_197968.4 (MANE Select); coding-DNA position 3985, C replaced by A.
Protein change: p.Pro1329Thr; replaces proline 1329 with threonine.
Molecular consequence: missense variant. On other transcripts: non-coding transcript variant (1).
Genome position (GRCh38, 1-based): chr13:20,085,865, C>A. VCF-style: chr13-20085865-C-A. GRCh37 (hg19) VCF-style: chr13-20660005-C-A.
Other names: c.3985C>A, p.Pro1329Thr (NM_001190964.4, NM_001190965.4, NM_001353157.2 and 4 more transcripts); c.3790C>A, p.Pro1264Thr (NM_001353161.3); c.3724C>A, p.Pro1242Thr (NM_001353163.2); short protein forms P1242T, P1264T, P1329T.
Identifiers: ClinVar variation 3777646 (VCV003777646.1).
Genomic context (GRCh38, chr13:20,085,865, plus strand): 5'-TCCTCCCGCCTCCAAAGTCCACAGAATCTTAATCAGAGGATGGATGTTTTTTATTTGCAA[C>A]CAGAATGCTCTAGTTCTACAGATAGCCCTGTCTGGTATACGTCTACTTCACTGGACCGAA-3'
Protein context (NP_932072.1, residues 1319-1339): NQRMDVFYLQ[Pro1329Thr]ECSSSTDSPV